The following is an entry in ClinVar:

NM_025114.4(CEP290):c.2723G>A (p.Arg908Gln)

Gene: CEP290 (centrosomal protein 290; minus strand). Cytogenetic location: 12q21.32.
Variant type: single nucleotide variant.
Coding change: c.2723G>A on transcript NM_025114.4 (MANE Select); coding-DNA position 2723, G replaced by A.
Protein change: p.Arg908Gln; replaces arginine 908 with glutamine.
Molecular consequence: missense variant.
Genome position (GRCh38, 1-based): chr12:88,106,769, C>T on the plus strand (G>A on the coding strand, the complement: CEP290 is on the minus strand). VCF-style: chr12-88106769-C-T. GRCh37 (hg19) VCF-style: chr12-88500546-C-T.
Other names: c.2723G>A (NM_025114.3); short protein forms R908Q.
Identifiers: ClinVar variation 2171000 (VCV002171000.5), dbSNP rs369746468, ClinGen allele CA6712284.
Genomic context (GRCh38, chr12:88,106,769, plus strand): 5'-ACTTCAGCCTCCATTGACAACAATTCATTCTTTTGCTTCTCATTTTCTTTTCTAAGTTGT[C>T]GCTCCAATTCTACTAAGGTTGTATATTGCCTTATAAGTGATTTTTCATTCACTTGCAAAA-3'
Protein context (NP_079390.3, residues 898-918): RQYTTLVELE[Arg908Gln]QLRKENEKQK

ClinVar aggregate classification (germline): Uncertain significance. Review status: criteria provided, multiple submitters, no conflicts (2 of 4 stars). 3 submissions from 3 submitters: Uncertain significance (3). Last evaluated 2025-02-24.

Conditions:
CEP290-related disorder. Also called: CEP290-related condition; CEP290-related disorders. Identifiers: MedGen CN239314.
Nephronophthisis. Also called: Juvenile Nephronophthisis. Identifiers: Orphanet 655, MedGen C0687120, MONDO:0019005, HP:0000090.
Meckel-Gruber syndrome. Also called: DYSENCEPHALIA SPLANCHNOCYSTICA; GRUBER SYNDROME; Dysencephalia splachnocystica. Identifiers: Orphanet 564, MedGen C0265215, MONDO:0018921.
Joubert syndrome. Also called: JOUBERT-BOLTSHAUSER SYNDROME; Familial aplasia of the vermis. Identifiers: Orphanet 475, MedGen C5979921, MONDO:0018772.
Leber congenital amaurosis 10 (LCA10). Identifiers: Orphanet 65, MedGen C1857821, MONDO:0012723, OMIM 611755.
Senior-Loken syndrome 6 (SLSN6). Identifiers: Orphanet 3156, MedGen C1857779, MONDO:0012433, OMIM 610189.
Bardet-Biedl syndrome 14 (BBS14). Identifiers: Orphanet 110, MedGen C2673874, MONDO:0014442, OMIM 615991.
Meckel syndrome, type 4 (MKS4). Also called: MECKEL-GRUBER SYNDROME, TYPE 4. Identifiers: Orphanet 564, MedGen C1970161, MONDO:0012626, OMIM 611134.
Joubert syndrome 5 (JBTS5). Identifiers: Orphanet 2318, MedGen C1857780, MONDO:0012432, OMIM 610188.

Allele frequency attached by ClinVar (database versions not stated): ExAC 0.00003; gnomAD 0.00003; ESP Exome Variant Server 0.00017.
gnomAD v4.1: 14 of 1,610,018 alleles (0.00087%); highest among the groups gnomAD compares: African/African-American, 0.0094%; no homozygotes.

Submissions (3):

PreventionGenetics, part of Exact Sciences
Classification: Uncertain significance for CEP290-related condition. Last evaluated: 2025-02-24. Review status: criteria provided, single submitter. Criteria: ACMG Guidelines, 2015. Collection method: clinical testing. Allele origin: germline.
Comment: The CEP290 c.2723G>A variant is predicted to result in the amino acid substitution p.Arg908Gln. This variant was reported in an individual with nonsyndromic retinitis pigmentosa (Testa et al. 2021. PubMed ID: 34196655). This variant is reported in 0.021% of alleles in individuals of African descent in gnomAD. At this time, the clinical significance of this variant is uncertain due to the absence of conclusive functional and genetic evidence.

Fulgent Genetics
Classification: Uncertain significance for Joubert syndrome 5; Senior-Loken syndrome 6; Meckel syndrome, type 4; Leber congenital amaurosis 10; Bardet-Biedl syndrome 14. Last evaluated: 2024-03-06. Review status: criteria provided, single submitter. Criteria: ACMG Guidelines, 2015. Collection method: clinical testing. Allele origin: germline.

Labcorp Genetics (formerly Invitae), Labcorp
Classification: Uncertain significance for Joubert syndrome; Meckel-Gruber syndrome; Nephronophthisis. Last evaluated: 2022-06-27. Review status: criteria provided, single submitter. Criteria: Invitae Variant Classification Sherloc (09022015). Collection method: clinical testing. Allele origin: germline.
Comment: This sequence change replaces arginine, which is basic and polar, with glutamine, which is neutral and polar, at codon 908 of the CEP290 protein (p.Arg908Gln). This variant is present in population databases (rs369746468, gnomAD 0.03%). This missense change has been observed in individual(s) with Leber congenital amaurosis (PMID: 34196655). Algorithms developed to predict the effect of missense changes on protein structure and function output the following: SIFT: "Tolerated"; PolyPhen-2: "Benign"; Align-GVGD: "Class C0". The glutamine amino acid residue is found in multiple mammalian species, which suggests that this missense change does not adversely affect protein function. In summary, the available evidence is currently insufficient to determine the role of this variant in disease. Therefore, it has been classified as a Variant of Uncertain Significance.

Literature cited by the submitters: PubMed 34196655 (cited by Labcorp Genetics (formerly Invitae), Labcorp).